The following is an entry in ClinVar:

ClinVar aggregate classification (germline): Uncertain significance (1 of 4 stars; one submission).

Submission:

Ambry Genetics
Classification: Uncertain significance. Last evaluated: 2024-05-31. Review status: criteria provided, single submitter. Criteria: Ambry Variant Classification Scheme 2023. Collection method: clinical testing. Allele origin: germline.
Comment: The p.R186P variant (also known as c.557G>C), located in coding exon 3 of the GALNT12 gene, results from a G to C substitution at nucleotide position 557. The arginine at codon 186 is replaced by proline, an amino acid with dissimilar properties. This amino acid position is conserved. In addition, this alteration is predicted to be tolerated by in silico analysis. Since supporting evidence is limited at this time, the clinical significance of this alteration remains unclear.

NM_024642.5(GALNT12):c.557G>C (p.Arg186Pro)

Gene: GALNT12 (polypeptide N-acetylgalactosaminyltransferase 12; plus strand). Cytogenetic location: 9q22.33.
Variant type: single nucleotide variant.
Coding change: c.557G>C on transcript NM_024642.5 (MANE Select); coding-DNA position 557, G replaced by C.
Protein change: p.Arg186Pro; replaces arginine 186 with proline.
Molecular consequence: missense variant.
Genome position (GRCh38, 1-based): chr9:98,826,767, G>C. VCF-style: chr9-98826767-G-C. GRCh37 (hg19) VCF-style: chr9-101589049-G-C.
Other names: short protein forms R186P.
Identifiers: ClinVar variation 1748417 (VCV001748417.3), dbSNP rs758830613, ClinGen allele CA374217292.